The following is an entry in ClinVar:

ClinVar aggregate classification (germline): Benign (0 of 4 stars; one submission).

Conditions:
ANKFY1-related disorder. Also called: ANKFY1-related condition.

Allele frequency attached by ClinVar (database versions not stated): TOPMed 0.00006; ESP Exome Variant Server 0.00008; gnomAD 0.00038; gnomAD exomes 0.00053; ExAC 0.00128; 1000 Genomes Project 30x 0.00219; 1000 Genomes Project 0.00240.
gnomAD v4.1: 831 of 1,612,898 alleles (0.052%); highest among the groups gnomAD compares: South Asian, 0.83%; 16 homozygotes.

Submission:

PreventionGenetics, part of Exact Sciences
Classification: Benign for ANKFY1-related condition. Last evaluated: 2019-04-09. Review status: no assertion criteria provided. Collection method: clinical testing. Allele origin: germline.
Comment: This variant is classified as benign based on ACMG/AMP sequence variant interpretation guidelines (Richards et al. 2015 PMID: 25741868, with internal and published modifications).

NM_001330063.2(ANKFY1):c.1840G>A (p.Ala614Thr)

Gene: ANKFY1 (ankyrin repeat and FYVE domain containing 1; minus strand). Cytogenetic location: 17p13.2.
Variant type: single nucleotide variant.
Coding change: c.1840G>A on transcript NM_001330063.2 (MANE Select); coding-DNA position 1840, G replaced by A.
Protein change: p.Ala614Thr; replaces alanine 614 with threonine.
Molecular consequence: missense variant. On other transcripts: non-coding transcript variant (1).
Genome position (GRCh38, 1-based): chr17:4,183,510, C>T on the plus strand (G>A on the coding strand, the complement: ANKFY1 is on the minus strand). VCF-style: chr17-4183510-C-T. GRCh37 (hg19) VCF-style: chr17-4086805-C-T.
Other names: c.1966G>A, p.Ala656Thr (NM_001257999.3); c.1840G>A, p.Ala614Thr (NM_016376.5); short protein forms A614T, A656T.
Identifiers: ClinVar variation 3048184 (VCV003048184.2), dbSNP rs199502205, ClinGen allele CA8301310.